The following is an entry in ClinVar:

ClinVar aggregate classification (germline): Benign/Likely benign. Review status: criteria provided, multiple submitters, no conflicts (2 of 4 stars). 4 submissions from 4 submitters: Benign (1); Likely benign (3). Last evaluated 2025-02-23.

Conditions:
Hereditary cancer-predisposing syndrome. Also called: Hereditary Cancer Syndrome; Hereditary neoplastic syndrome; Neoplastic Syndromes, Hereditary; Tumor predisposition. Identifiers: Orphanet 140162, MedGen C0027672, MeSH D009386, MONDO:0015356.
Breast-ovarian cancer, familial, susceptibility to, 3. Also called: RAD51C-Related Breast/Ovarian Cancer. Identifiers: Orphanet 145, MedGen C3150659, MONDO:0013253, OMIM 613399.

Allele frequency attached by ClinVar (database versions not stated): gnomAD exomes below 0.00001; TOPMed below 0.00001.
gnomAD v4.1: 2 of 1,611,680 alleles (0.00012%); highest among the groups gnomAD compares: South Asian, 0.0022%; no homozygotes.

Submissions (4):

Color Diagnostics, LLC DBA Color Health
Classification: Likely benign for Hereditary cancer-predisposing syndrome. Last evaluated: 2025-02-23. Review status: criteria provided, single submitter. Criteria: ACMG Guidelines, 2015. Collection method: clinical testing. Allele origin: germline.

Myriad Genetics, Inc.
Classification: Benign for Breast-ovarian cancer, familial, susceptibility to, 3. Last evaluated: 2025-02-19. Review status: criteria provided, single submitter. Criteria: Myriad Autosomal Dominant, Autosomal Recessive and X-Linked Classification Criteria (2023). Collection method: clinical testing. Allele origin: unknown.
Comment: This variant is considered benign. This variant is a silent/synonymous amino acid change and it is not expected to impact splicing.

Ambry Genetics
Classification: Likely benign for Hereditary cancer-predisposing syndrome. Last evaluated: 2018-06-18. Review status: criteria provided, single submitter. Criteria: Ambry Variant Classification Scheme 2023. Collection method: clinical testing. Allele origin: germline.

GeneDx
Classification: Likely benign. Last evaluated: 2016-08-01. Review status: criteria provided, single submitter. Criteria: GeneDx Variant Classification (06012015). Collection method: clinical testing. Allele origin: germline. Affected: yes.
Comment: This variant is considered likely benign or benign based on one or more of the following criteria: it is a conservative change, it occurs at a poorly conserved position in the protein, it is predicted to be benign by multiple in silico algorithms, and/or has population frequency not consistent with disease.

NM_058216.3(RAD51C):c.765G>C (p.Leu255=)

Gene: RAD51C (RAD51 paralog C; plus strand). Cytogenetic location: 17q22.
Variant type: single nucleotide variant.
Coding change: c.765G>C on transcript NM_058216.3 (MANE Select); coding-DNA position 765, G replaced by C.
Protein change: p.Leu255=; no amino-acid change (leucine 255 retained).
Molecular consequence: synonymous variant. On other transcripts: non-coding transcript variant (1).
Genome position (GRCh38, 1-based): chr17:58,709,918, G>C. VCF-style: chr17-58709918-G-C. GRCh37 (hg19) VCF-style: chr17-56787279-G-C.
Identifiers: ClinVar variation 388295 (VCV000388295.7), dbSNP rs1057523058, ClinGen allele CA16608561.